The following is an entry in ClinVar:

NM_138694.4(PKHD1):c.6819G>A (p.Thr2273=)

Gene: PKHD1 (PKHD1 ciliary IPT domain containing fibrocystin/polyductin; minus strand). Cytogenetic location: 6p12.2.
Variant type: single nucleotide variant.
Coding change: c.6819G>A on transcript NM_138694.4 (MANE Select); coding-DNA position 6819, G replaced by A.
Protein change: p.Thr2273=; no amino-acid change (threonine 2273 retained).
Molecular consequence: synonymous variant.
Genome position (GRCh38, 1-based): chr6:51,904,032, C>T on the plus strand (G>A on the coding strand, the complement: PKHD1 is on the minus strand). VCF-style: chr6-51904032-C-T. GRCh37 (hg19) VCF-style: chr6-51768830-C-T.
Other names: c.6819G>A (NM_138694.3); c.6819G>A, p.Thr2273= (NM_170724.3).
Identifiers: ClinVar variation 1127479 (VCV001127479.11), dbSNP rs201398262, ClinGen allele CA3852156.
Genomic context (GRCh38, chr6:51,904,032, plus strand): 5'-ATTTACATATTTACCATCTTTCCTTCCATGAATTGCCTCCCAGGAGATATATCTCATCTC[C>T]GTGCATGTCCCTGAGAACAAAAGACCCCATTACTTGAGTATATTTTATGTCACTTAGGAA-3'
Protein context (NP_619639.3, residues 2263-2283): LGHALLVGTC[Thr2273=]EMRYISWEAI

ClinVar aggregate classification (germline): Likely benign. Review status: criteria provided, multiple submitters, no conflicts (2 of 4 stars). 3 submissions from 3 submitters: Likely benign (3). Last evaluated 2025-06-23.

Conditions:
PKHD1-related disorder. Also called: PKHD1-related condition.
Autosomal recessive polycystic kidney disease (ARPKD). Also called: AR polycystic kidney disease. Identifiers: Orphanet 731, Orphanet 8378, MedGen C0085548, MeSH D017044, MONDO:0009889.

Allele frequency attached by ClinVar (database versions not stated): ExAC 0.00002; gnomAD 0.00002; gnomAD exomes 0.00002; TOPMed 0.00003.
gnomAD v4.1: 25 of 1,592,082 alleles (0.0016%); highest among the groups gnomAD compares: African/African-American, 0.0054%; no homozygotes.

Submissions (3):

PreventionGenetics, part of Exact Sciences
Classification: Likely benign for PKHD1-related condition. Last evaluated: 2025-06-23. Review status: criteria provided, single submitter. Criteria: ACMG Guidelines, 2015. Collection method: clinical testing. Allele origin: germline.
Comment: This variant is classified as likely benign based on ACMG/AMP sequence variant interpretation guidelines (Richards et al. 2015 PMID: 25741868, with internal and published modifications).

Blueprint Genetics
Classification: Likely benign. Last evaluated: 2024-09-24. Review status: criteria provided, single submitter. Criteria: ACMG Guidelines, 2015. Collection method: clinical testing. Allele origin: germline.

Labcorp Genetics (formerly Invitae), Labcorp
Classification: Likely benign for Autosomal recessive polycystic kidney disease. Last evaluated: 2024-02-20. Review status: criteria provided, single submitter. Criteria: Invitae Variant Classification Sherloc (09022015). Collection method: clinical testing. Allele origin: germline.